The following is an entry in ClinVar:

ClinVar aggregate classification (germline): Pathogenic/Likely pathogenic. Review status: criteria provided, multiple submitters, no conflicts (2 of 4 stars). 4 submissions from 4 submitters: Pathogenic (1); Likely pathogenic (2). 1 of the submissions does not count toward it. Last evaluated 2024-11-19.

Conditions:
Biotinidase deficiency. Also called: BTD deficiency; Late-onset biotin-responsive multiple carboxylase deficiency; Biotin deficiency. Identifiers: Orphanet 79241, MedGen C0220754, MONDO:0009665, OMIM 253260.

Submissions (4):

Labcorp Genetics (formerly Invitae), Labcorp
Classification: Pathogenic for Biotinidase deficiency. Last evaluated: 2024-11-19. Review status: criteria provided, single submitter. Criteria: Invitae Variant Classification Sherloc (09022015). Collection method: clinical testing. Allele origin: germline.
Comment: This sequence change creates a premature translational stop signal (p.Glu436Alafs*8) in the BTD gene. While this is not anticipated to result in nonsense mediated decay, it is expected to disrupt the last 108 amino acid(s) of the BTD protein. This variant is not present in population databases (gnomAD no frequency). This variant has not been reported in the literature in individuals affected with BTD-related conditions. This variant disrupts a region of the BTD protein in which other variant(s) (p.Asp543Glu) have been determined to be pathogenic (PMID: 25174816, 25967232, 28498829). This suggests that this is a clinically significant region of the protein, and that variants that disrupt it are likely to be disease-causing. For these reasons, this variant has been classified as Pathogenic.

Quest Diagnostics Nichols Institute San Juan Capistrano
Classification: Likely pathogenic. Last evaluated: 2024-07-17. Review status: criteria provided, single submitter. Criteria: Quest Diagnostics criteria. Collection method: clinical testing. Allele origin: unknown.
Comment: The BTD c.1307_1308del (p.Glu436Alafs*8) variant alters the translational reading frame of the BTD mRNA and is predicted to cause the premature termination of BTD protein synthesis. This variant has not been reported in individuals with BTD-related conditions in the published literature. This variant has not been reported in large, multi-ethnic general populations (Genome Aggregation Database). Based on the available information, this variant is classified as likely pathogenic.

Baylor Genetics
Classification: Likely pathogenic for Biotinidase deficiency. Last evaluated: 2023-08-11. Review status: criteria provided, single submitter. Criteria: ACMG Guidelines, 2015. Collection method: clinical testing. Allele origin: unknown.

Counsyl
Classification: Likely pathogenic for Biotinidase deficiency. Last evaluated: 2016-09-09. Review status: no assertion criteria provided. Collection method: clinical testing. Allele origin: unknown. Not counted in ClinVar's aggregate classification.

Literature cited by the submitters: PubMed 25174816 (cited by Labcorp Genetics (formerly Invitae), Labcorp); PubMed 25967232 (cited by Labcorp Genetics (formerly Invitae), Labcorp); PubMed 28498829 (cited by Labcorp Genetics (formerly Invitae), Labcorp).

NM_001370658.1(BTD):c.1247_1248del (p.Glu416fs)

Gene: BTD (biotinidase; plus strand). Cytogenetic location: 3p25.1.
Variant type: Microsatellite.
Coding change: c.1247_1248del on transcript NM_001370658.1 (MANE Select); coding-DNA positions 1247 to 1248, 2 bases deleted (AG; older notation c.1247_1248delAG).
Protein change: p.Glu416fs; shifts the reading frame from glutamic acid 416.
Molecular consequence: frameshift variant. On other transcripts: intron variant (8).
Genome position (GRCh38, 1-based): chr3:15,645,163-15,645,164, AG deleted; deleting any 2 consecutive bases within chr3:15,645,161-15,645,164 gives the same sequence; the c. name uses the placement nearest the transcript's 3' end. VCF-style (leftmost placement, unchanged base first): chr3-15645160-AAG-A. GRCh37 (hg19) VCF-style: chr3-15686667-AAG-A.
Other names: c.1307_1308del (NM_000060.4); c.1247_1248del, p.Glu416fs (NM_001407369.1, NM_001407370.1, NM_001407371.1 and 16 more transcripts); c.1015+232_1015+233del (NM_001370752.1, NM_001407379.1); c.399+3106_399+3107del (NM_001370753.1, NM_001407400.1, NM_001407380.1 and 3 more transcripts); short protein forms E416fs.
Identifiers: ClinVar variation 371377 (VCV000371377.8), dbSNP rs1057517225, ClinGen allele CA16040913.
Genomic context (GRCh38, chr3:15,645,160, plus strand): 5'-TCCACGTCTGTTCCAATGGCCTCTGCTGTTATTTACTTTACGAGAGGCCCACCTTATCCA[AAG>A]AGCTGTATGCCCTGGGGGTCTTTGATGGGCTTCACACAGTACATGGCACTTACTACATCC-3'